The following is an entry in ClinVar:

NM_000245.4(MET):c.2647G>A (p.Glu883Lys)

Gene: MET (MET proto-oncogene, receptor tyrosine kinase; plus strand). Cytogenetic location: 7q31.2.
Variant type: single nucleotide variant.
Coding change: c.2647G>A on transcript NM_000245.4 (MANE Select); coding-DNA position 2647, G replaced by A.
Protein change: p.Glu883Lys; replaces glutamic acid 883 with lysine.
Molecular consequence: missense variant.
Genome position (GRCh38, 1-based): chr7:116,769,708, G>A. VCF-style: chr7-116769708-G-A. GRCh37 (hg19) VCF-style: chr7-116409762-G-A.
Other names: c.2701G>A, p.Glu901Lys (NM_001127500.3); c.2647G>A, p.Glu883Lys (NM_001324401.3); c.1357G>A, p.Glu453Lys (NM_001324402.2); short protein forms E453K, E883K, E901K.
Identifiers: ClinVar variation 861477 (VCV000861477.8), dbSNP rs769253547, ClinGen allele CA4448544.

ClinVar aggregate classification (germline): Uncertain significance. Review status: criteria provided, multiple submitters, no conflicts (2 of 4 stars). 2 submissions from 2 submitters: Uncertain significance (2). Last evaluated 2024-10-05.

Conditions:
Hereditary cancer-predisposing syndrome. Also called: Tumor predisposition; Hereditary neoplastic syndrome; Neoplastic Syndromes, Hereditary; Hereditary Cancer Syndrome. Identifiers: Orphanet 140162, MedGen C0027672, MeSH D009386, MONDO:0015356.
Renal cell carcinoma. Identifiers: Orphanet 217071, MedGen C0007134, MeSH D002292, MONDO:0005086, HP:0005584.

Allele frequency attached by ClinVar (database versions not stated): gnomAD exomes below 0.00001; ExAC 0.00001.

Submissions (2):

Ambry Genetics
Classification: Uncertain significance for Hereditary cancer-predisposing syndrome. Last evaluated: 2024-10-05. Review status: criteria provided, single submitter. Criteria: Ambry Variant Classification Scheme 2023. Collection method: clinical testing. Allele origin: germline.
Comment: The p.E901K variant (also known as c.2701G>A), located in coding exon 11 of the MET gene, results from a G to A substitution at nucleotide position 2701. The glutamic acid at codon 901 is replaced by lysine, an amino acid with similar properties. This amino acid position is conserved. In addition, this alteration is predicted to be deleterious by in silico analysis. Based on the available evidence, the clinical significance of this variant remains unclear.

Labcorp Genetics (formerly Invitae), Labcorp
Classification: Uncertain significance for Renal cell carcinoma. Last evaluated: 2022-08-23. Review status: criteria provided, single submitter. Criteria: Invitae Variant Classification Sherloc (09022015). Collection method: clinical testing. Allele origin: germline.
Comment: This sequence change replaces glutamic acid, which is acidic and polar, with lysine, which is basic and polar, at codon 901 of the MET protein (p.Glu901Lys). This variant is not present in population databases (gnomAD no frequency). This variant has not been reported in the literature in individuals affected with MET-related conditions. ClinVar contains an entry for this variant (Variation ID: 861477). Algorithms developed to predict the effect of missense changes on protein structure and function are either unavailable or do not agree on the potential impact of this missense change (SIFT: "Deleterious"; PolyPhen-2: "Benign"; Align-GVGD: "Class C0"). In summary, the available evidence is currently insufficient to determine the role of this variant in disease. Therefore, it has been classified as a Variant of Uncertain Significance.